The following is an entry in ClinVar:

ClinVar aggregate classification (germline): Conflicting classifications of pathogenicity. Review status: criteria provided, conflicting classifications (1 of 4 stars). 5 submissions from 5 submitters: Uncertain significance (3); Likely benign (2). Last evaluated 2025-12-30.

Conditions:
Hereditary cancer-predisposing syndrome. Also called: Tumor predisposition; Hereditary neoplastic syndrome; Neoplastic Syndromes, Hereditary; Hereditary Cancer Syndrome. Identifiers: Orphanet 140162, MedGen C0027672, MeSH D009386, MONDO:0015356.
Classic or attenuated familial adenomatous polyposis. Identifiers: MedGen CN372698, MONDO:0021057.
Familial adenomatous polyposis 1 (FAP1). Also called: FAMILIAL ADENOMATOUS POLYPOSIS 1, ATTENUATED; POLYPOSIS, ADENOMATOUS INTESTINAL. Identifiers: MedGen C2713442, MONDO:0021056, OMIM 175100. Disease mechanism: loss of function.

Allele frequency attached by ClinVar (database versions not stated): ExAC 0.00001; gnomAD exomes 0.00001 and 0.00002; TOPMed 0.00001.
gnomAD v4.1: 34 of 1,578,796 alleles (0.0022%); highest among the groups gnomAD compares: Non-Finnish European, 0.0026%; no homozygotes.

Submissions (5):

Labcorp Genetics (formerly Invitae), Labcorp
Classification: Likely benign for Familial adenomatous polyposis 1. Last evaluated: 2025-12-30. Review status: criteria provided, single submitter. Criteria: Invitae Variant Classification Sherloc (09022015). Collection method: clinical testing. Allele origin: germline.

Color Diagnostics, LLC DBA Color Health
Classification: Uncertain significance for Hereditary cancer-predisposing syndrome. Last evaluated: 2025-06-17. Review status: criteria provided, single submitter. Criteria: ACMG Guidelines, 2015. Collection method: clinical testing. Allele origin: germline.
Comment: This variant causes a T to C nucleotide substitution at the +6 position of intron 14 of the APC gene. To our knowledge, functional studies have not been reported for this variant. This variant has not been reported in individuals affected with APC-related disorders in the literature. This variant has been identified in 2/251102 chromosomes in the general population by the Genome Aggregation Database (gnomAD). The available evidence is insufficient to determine the role of this variant in disease conclusively. Therefore, this variant is classified as a Variant of Uncertain Significance.

All of Us Research Program, National Institutes of Health
Classification: Uncertain significance for Classic or attenuated familial adenomatous polyposis. Last evaluated: 2023-12-13. Review status: criteria provided, single submitter. Criteria: ACMG Guidelines, 2015. Collection method: clinical testing. Allele origin: germline. Inheritance: Autosomal dominant inheritance. Observed: 5 variant alleles, 5 heterozygotes.
Comment: This variant causes a T to C nucleotide substitution at the +6 position of intron 14 of the APC gene. To our knowledge, functional studies have not been reported for this variant. This variant has not been reported in individuals affected with APC-related disorders in the literature. This variant has been identified in 2/251102 chromosomes in the general population by the Genome Aggregation Database (gnomAD). The available evidence is insufficient to determine the role of this variant in disease conclusively. Therefore, this variant is classified as a Variant of Uncertain Significance.

This study involves interpretation of variants in research participants for the purpose of population health screening. Participant phenotype was not available at the time of variant classification. Additional details can be found in publication PMID: 35346344, PMCID: PMC8962531

Laboratory for Molecular Medicine, Mass General Brigham Personalized Medicine
Classification: Uncertain significance. Last evaluated: 2018-09-07. Review status: criteria provided, single submitter. Criteria: LMM Criteria. Collection method: clinical testing. Allele origin: germline. Observed: 1 variant allele.
Comment: Variant classified as Uncertain Significance - Favor Benign. The c.1743+6T>C var iant in APC has not been reported in the literature, but has been reported in Cl inVar as VUS and Likely Benign (Variation ID 381126). It was also identified in 1/111552 European chromosomes by the Genome Aggregation Database (gnomAD). This variant is located in the 5' splice region. Co mputational tools do not suggest an impact to splicing; however, this informatio n is not predictive enough to rule out pathogenicity. In summary, while the clin ical significance of the c.1743+6T>C variant is uncertain, its location and the predicted lack of splice site impact suggests that it is more likely to be benig n. ACMG/AMP criteria applied: PM2, BP4.

GeneDx
Classification: Likely benign. Last evaluated: 2018-06-13. Review status: criteria provided, single submitter. Criteria: GeneDx Variant Classification Process June 2021. Collection method: clinical testing. Allele origin: germline. Affected: yes.

NM_000038.6(APC):c.1743+6T>C

Gene: APC (APC regulator of Wnt signaling pathway; plus strand). Cytogenetic location: 5q22.2.
Variant type: single nucleotide variant.
Coding change: c.1743+6T>C on transcript NM_000038.6 (MANE Select); 6 bases into the intron after coding-DNA position 1743, T replaced by C.
Molecular consequence: intron variant.
Genome position (GRCh38, 1-based): chr5:112,828,978, T>C. VCF-style: chr5-112828978-T-C. GRCh37 (hg19) VCF-style: chr5-112164675-T-C.
Other names: NM_000038.4:c.1743+6T>C; c.1743+6T>C (NM_001354895.2, NM_001127510.3); c.1773+6T>C (NM_001354897.2); c.1470+6T>C (NM_001354902.2); c.1689+6T>C (NM_001127511.3); c.1668+6T>C (NM_001354898.2); c.1365+6T>C (NM_001354904.2); c.894+6T>C (NM_001354906.2); and 6 more.
Identifiers: ClinVar variation 381126 (VCV000381126.24), dbSNP rs766973462, ClinGen allele CA029364.
Genomic context (GRCh38, chr5:112,828,978, plus strand): 5'-GCGAGAAGTTGGAAGTGTGAAAGCATTGATGGAATGTGCTTTAGAAGTTAAAAAGGTACC[T>C]TTGAAAACATTTAGTACTATAATATGAATTTCATGTTTGGCTTTTTTTTGCTGCCTTCTT-3'